The following is an entry in ClinVar:

ClinVar aggregate classification (germline): Uncertain significance. Review status: criteria provided, multiple submitters, no conflicts (2 of 4 stars). 3 submissions from 3 submitters: Uncertain significance (3). Last evaluated 2025-01-22.

Conditions:
Inborn genetic diseases. Identifiers: MedGen C0950123, MeSH D030342.
Epidermolysis bullosa simplex with nail dystrophy (EBS5D). Identifiers: MedGen C4225309, MONDO:0014661, OMIM 616487.
Epidermolysis bullosa simplex 5B, with muscular dystrophy (EBS5B). Also called: EPIDERMOLYSIS BULLOSA SIMPLEX AND LIMB-GIRDLE MUSCULAR DYSTROPHY; Epidermolysis bullosa simplex with muscular dystrophy. Identifiers: Orphanet 257, MedGen C2931072, MONDO:0009181, OMIM 226670.
Epidermolysis bullosa simplex, Ogna type (EBS5A). Also called: Pidermolysis bullosa simplex 5A, Ogna type; EPIDERMOLYSIS BULLOSA SIMPLEX 5A, OGNA TYPE. Identifiers: Orphanet 79401, MedGen C0432317, MONDO:0007555, OMIM 131950.
Epidermolysis bullosa simplex 5C, with pyloric atresia (EBS5C). Also called: PLEC-Related Epidermolysis Bullosa with Pyloric Atresia; Epidermolysis bullosa simplex with pyloric atresia; PLEC1-Related Epidermolysis Bullosa with Pyloric Atresia. Identifiers: Orphanet 158684, MedGen C2677349, MONDO:0012807, OMIM 612138.
Autosomal recessive limb-girdle muscular dystrophy type 2Q (LGMDR17). Also called: MUSCULAR DYSTROPHY, LIMB-GIRDLE, AUTOSOMAL RECESSIVE 17. Identifiers: Orphanet 254361, MedGen C3150989, MONDO:0013390, OMIM 613723.

Allele frequency attached by ClinVar (database versions not stated): gnomAD 0.00001.
gnomAD v4.1: 59 of 1,583,452 alleles (0.0037%); highest among the groups gnomAD compares: East Asian, 0.014%; no homozygotes.

Submissions (3):

Revvity Omics, Revvity
Classification: Uncertain significance. Last evaluated: 2025-01-22. Review status: criteria provided, single submitter. Criteria: ACMG Guidelines, 2015. Collection method: clinical testing. Allele origin: germline.

Labcorp Genetics (formerly Invitae), Labcorp
Classification: Uncertain significance for Autosomal recessive limb-girdle muscular dystrophy type 2Q; Epidermolysis bullosa simplex, Ogna type; Epidermolysis bullosa simplex with nail dystrophy; Epidermolysis bullosa simplex 5C, with pyloric atresia; Epidermolysis bullosa simplex 5B, with muscular dystrophy. Last evaluated: 2023-11-28. Review status: criteria provided, single submitter. Criteria: Invitae Variant Classification Sherloc (09022015). Collection method: clinical testing. Allele origin: germline.
Comment: This sequence change replaces arginine, which is basic and polar, with cysteine, which is neutral and slightly polar, at codon 2010 of the PLEC protein (p.Arg2010Cys). The frequency data for this variant in the population databases is considered unreliable, as metrics indicate poor data quality at this position in the gnomAD database. This variant has not been reported in the literature in individuals affected with PLEC-related conditions. ClinVar contains an entry for this variant (Variation ID: 1026218). Experimental studies and prediction algorithms are not available or were not evaluated, and the functional significance of this variant is currently unknown. In summary, the available evidence is currently insufficient to determine the role of this variant in disease. Therefore, it has been classified as a Variant of Uncertain Significance.

Ambry Genetics
Classification: Uncertain significance for Inborn genetic diseases. Last evaluated: 2023-06-16. Review status: criteria provided, single submitter. Criteria: Ambry Variant Classification Scheme 2023. Collection method: clinical testing. Allele origin: germline.

NM_201384.3(PLEC):c.5947C>T (p.Arg1983Cys)

Gene: PLEC (plectin; minus strand). Cytogenetic location: 8q24.3.
Variant type: single nucleotide variant.
Coding change: c.5947C>T on transcript NM_201384.3 (MANE Select); coding-DNA position 5947, C replaced by T.
Protein change: p.Arg1983Cys; replaces arginine 1983 with cysteine.
Molecular consequence: missense variant.
Genome position (GRCh38, 1-based): chr8:143,923,982, G>A on the plus strand (C>T on the coding strand, the complement: PLEC is on the minus strand). VCF-style: chr8-143923982-G-A. GRCh37 (hg19) VCF-style: chr8-144998150-G-A.
Other names: c.6028C>T (NM_000445.3); c.6028C>T, p.Arg2010Cys (NM_000445.5); c.5905C>T, p.Arg1969Cys (NM_201378.4); c.5881C>T, p.Arg1961Cys (NM_201379.3); c.6358C>T, p.Arg2120Cys (NM_201380.4); c.5851C>T, p.Arg1951Cys (NM_201381.3); c.5947C>T, p.Arg1983Cys (NM_201382.4); c.5959C>T, p.Arg1987Cys (NM_201383.3); short protein forms R1951C, R1961C, R1969C, R1983C, R1987C, R2010C, R2120C.
Identifiers: ClinVar variation 1026218 (VCV001026218.8), dbSNP rs781814416, ClinGen allele CA4926172.